The following is an entry in ClinVar:

NM_000548.5(TSC2):c.138+9G>A

Gene: TSC2 (TSC complex subunit 2; plus strand). Cytogenetic location: 16p13.3.
Variant type: single nucleotide variant.
Coding change: c.138+9G>A on transcript NM_000548.5 (MANE Select); 9 bases into the intron after coding-DNA position 138, G replaced by A.
Molecular consequence: intron variant.
Genome position (GRCh38, 1-based): chr16:2,048,762, G>A. VCF-style: chr16-2048762-G-A. GRCh37 (hg19) VCF-style: chr16-2098763-G-A.
Other names: c.-1600+9G>A (NM_001406693.1); c.138+9G>A (NM_001406667.1, NM_001406668.1, NM_001114382.3 and 13 more transcripts); c.-679+9G>A (NM_001406680.1, NM_001406683.1, NM_001406687.1); c.-1294+9G>A (NM_001406689.1, NM_001406690.1, NM_001406692.1 and 2 more transcripts); c.-1470+9G>A (NM_001406698.1); c.-1175+9G>A (NM_001406694.1, NM_001406695.1); c.-1282+9G>A (NM_001406696.1); c.-308+9G>A (NM_001406681.1); and 4 more.
Identifiers: ClinVar variation 3032601 (VCV003032601.2), dbSNP rs1302082413, ClinGen allele CA2731610496.

ClinVar aggregate classification (germline): Likely benign (0 of 4 stars; one submission).

Conditions:
TSC2-related disorder. Also called: TSC2-Related Disorders; TSC2-related condition.

Submission:

PreventionGenetics, part of Exact Sciences
Classification: Likely benign for TSC2-related condition. Last evaluated: 2023-12-26. Review status: no assertion criteria provided. Collection method: clinical testing. Allele origin: germline.
Comment: This variant is classified as likely benign based on ACMG/AMP sequence variant interpretation guidelines (Richards et al. 2015 PMID: 25741868, with internal and published modifications).